The following is an entry in ClinVar:

Conditions:
Long QT syndrome 5 (LQT5). Identifiers: Orphanet 101016, Orphanet 768, MedGen C1867904, MONDO:0013372, OMIM 613695.

Submission:

Roden Lab, Vanderbilt University Medical Center
No classification provided (evidence only). Condition: Long QT syndrome 5. Review status: no classification provided. Collection method: in vitro. Allele origin: not applicable. Functional consequence: Effect on ion channel function.
ClinVar note: "not provided" was previously submitted as the classification for the variant. However, the classification appeared to be based only on an observation of functional data so it was converted to no classification on 2025-07-30.

NM_000219.6(KCNE1):c.125T>G (p.Leu42Arg)

Gene: KCNE1 (potassium voltage-gated channel subfamily E regulatory subunit 1; minus strand). Cytogenetic location: 21q22.12.
Variant type: single nucleotide variant.
Coding change: c.125T>G on transcript NM_000219.6 (MANE Select); coding-DNA position 125, T replaced by G.
Protein change: p.Leu42Arg; replaces leucine 42 with arginine.
Molecular consequence: missense variant.
Genome position (GRCh38, 1-based): chr21:34,449,510, A>C on the plus strand (T>G on the coding strand, the complement: KCNE1 is on the minus strand). VCF-style: chr21-34449510-A-C. GRCh37 (hg19) VCF-style: chr21-35821808-A-C.
Other names: c.125T>G, p.Leu42Arg (NM_001127668.4, NM_001127669.4, NM_001127670.4 and 4 more transcripts); short protein forms L42R.
Identifiers: ClinVar variation 3374111 (VCV003374111.2).